The following is an entry in ClinVar:

ClinVar aggregate classification (germline): Pathogenic. Review status: criteria provided, multiple submitters, no conflicts (2 of 4 stars). 6 submissions from 6 submitters: Pathogenic (4). 2 of the submissions do not count toward it. Last evaluated 2024-10-04.

Conditions:
Pyruvate dehydrogenase E1-alpha deficiency (PDHAD). Also called: Ataxia, intermittent, with pyruvate dehydrogenase, or decarboxylase, deficiency; ATAXIA, INTERMITTENT, WITH PYRUVATE DEHYDROGENASE DEFICIENCY; ATAXIA WITH LACTIC ACIDOSIS I; ATAXIA, INTERMITTENT, WITH ABNORMAL PYRUVATE METABOLISM. Identifiers: Orphanet 79243, MedGen C1839413, MONDO:0010717, OMIM 312170.

Submissions (6):

Dubai Health Genomic Medicine Center, Dubai Health
Classification: Pathogenic for Pyruvate dehydrogenase E1-alpha deficiency. Last evaluated: 2024-10-04. Review status: criteria provided, single submitter. Criteria: ACMG Guidelines, 2015. Collection method: research. Allele origin: germline. Affected: yes.
Comment: PS4,PP1,PM2,PP3,PS3

Labcorp Genetics (formerly Invitae), Labcorp
Classification: Pathogenic for Pyruvate dehydrogenase E1-alpha deficiency. Last evaluated: 2024-08-31. Review status: criteria provided, single submitter. Criteria: Invitae Variant Classification Sherloc (09022015). Collection method: clinical testing. Allele origin: germline.
Comment: This sequence change replaces arginine, which is basic and polar, with glycine, which is neutral and non-polar, at codon 263 of the PDHA1 protein (p.Arg263Gly). This variant is not present in population databases (gnomAD no frequency). This missense change has been observed in individual(s) with pyruvate dehydrogenase lipoic acid synthetase deficiency (PMID: 1508605, 7887409, 8504306, 19639391). It has also been observed to segregate with disease in related individuals. This variant is also known as c.787C>G (p.Arg234Gly). ClinVar contains an entry for this variant (Variation ID: 10878). Invitae Evidence Modeling of protein sequence and biophysical properties (such as structural, functional, and spatial information, amino acid conservation, physicochemical variation, residue mobility, and thermodynamic stability) indicates that this missense variant is expected to disrupt PDHA1 protein function with a positive predictive value of 95%. For these reasons, this variant has been classified as Pathogenic.

GeneDx
Classification: Pathogenic. Last evaluated: 2021-12-02. Review status: criteria provided, single submitter. Criteria: GeneDx Variant Classification Process June 2021. Collection method: clinical testing. Allele origin: germline. Affected: yes.
Comment: Published functional studies, including enzymatic activity and immunoblot studies, demonstrate that pyruvate dehydrogenase is affected (Wexler et al., 1992); Not observed at significant frequency in large population cohorts (Lek et al., 2016); In silico analysis supports that this missense variant has a deleterious effect on protein structure/function; This variant is associated with the following publications: (PMID: 19852779, 21846590, 1301207, 19639391, 30634555, 31130284, 33619735, 1508605, 9187674)

Institute of Human Genetics Munich, TUM University Hospital
Classification: Pathogenic for Pyruvate dehydrogenase E1-alpha deficiency. Last evaluated: 2019-05-20. Review status: criteria provided, single submitter. Criteria: Classification criteria August 2017. Collection method: clinical testing. Allele origin: de novo. Inheritance: X-linked inheritance. Affected: yes. Observed: 1 heterozygote.

PDHA1 Study Group, University Children’s Hospital, Paracelsus Medical University
Classification: Pathogenic for Pyruvate dehydrogenase E1-alpha deficiency. Last evaluated: 2024-10-15. Review status: no assertion criteria provided. Collection method: research. Allele origin: de novo. Affected: yes. Observed: 68 variant alleles. Not counted in ClinVar's aggregate classification.
Comment: The NM_000284.3:c.787C>G (p.Arg263Gly) substitution is a missense variant in PDHA1 gene. In total, 68 individuals were diagnosed with PDHA1-related Pyruvate dehydrogenase complex (PDHc) deficiency (MIM #312170). These include 53 males and 10 females. Among them, 17 cases had confirmed de novo occurrence, and 14 were confirmed inherited. The variant has been reported in 41 published cases (PMIDs: 9266390, 19639391, 1508605, 8504306, 7887409, 8664900, 9187674, 9409363, 10679936, 12163191, 19852779, 20002461, 21914562, 21846590, 23021068, 22079328, 24718837, 27144126, 28639102, 28918066, 30634555, 36675121). Additional 27 unpublished cases from internal data are included. Last literature search: July 12, 2024. This variant is absent or extremely rare in population-based cohorts in the Genome Aggregation Database (gnomAD). All individuals harboring this variant presented with clinical features compatible with PDHA1-related PDHc deficiency. In summary, this variant meets criteria to be classified as pathogenic (P) for PDHA1-related PDHc deficiency based on the ACMG/AMP criteria applied: PS3, PM1, PM2, PM7, PP3 (last assessment October 15, 2024).

OMIM
Classification: Pathogenic for PYRUVATE DEHYDROGENASE E1-ALPHA DEFICIENCY. Last evaluated: 1997-08-01. Review status: no assertion criteria provided. Collection method: literature only. Allele origin: germline. Not counted in ClinVar's aggregate classification.

Literature cited by the submitters: PubMed 1508605 (cited by 3 submitters); PubMed 7887409 (cited by Labcorp Genetics (formerly Invitae), Labcorp and PDHA1 Study Group, University Children’s Hospital, Paracelsus Medical University); PubMed 8504306 (cited by 3 submitters); PubMed 19639391 (cited by Labcorp Genetics (formerly Invitae), Labcorp and PDHA1 Study Group, University Children’s Hospital, Paracelsus Medical University); PubMed 9266390 (cited by PDHA1 Study Group, University Children’s Hospital, Paracelsus Medical University and OMIM); PubMed 8664900 (cited by PDHA1 Study Group, University Children’s Hospital, Paracelsus Medical University); PubMed 9187674 (cited by PDHA1 Study Group, University Children’s Hospital, Paracelsus Medical University); PubMed 9409363 (cited by PDHA1 Study Group, University Children’s Hospital, Paracelsus Medical University); PubMed 10679936 (cited by PDHA1 Study Group, University Children’s Hospital, Paracelsus Medical University); PubMed 12163191 (cited by PDHA1 Study Group, University Children’s Hospital, Paracelsus Medical University); PubMed 19852779 (cited by PDHA1 Study Group, University Children’s Hospital, Paracelsus Medical University); PubMed 20002461 (cited by PDHA1 Study Group, University Children’s Hospital, Paracelsus Medical University); PubMed 21914562 (cited by PDHA1 Study Group, University Children’s Hospital, Paracelsus Medical University); PubMed 21846590 (cited by PDHA1 Study Group, University Children’s Hospital, Paracelsus Medical University); PubMed 23021068 (cited by PDHA1 Study Group, University Children’s Hospital, Paracelsus Medical University); PubMed 22079328 (cited by PDHA1 Study Group, University Children’s Hospital, Paracelsus Medical University); PubMed 24718837 (cited by PDHA1 Study Group, University Children’s Hospital, Paracelsus Medical University); PubMed 27144126 (cited by PDHA1 Study Group, University Children’s Hospital, Paracelsus Medical University); PubMed 28639102 (cited by PDHA1 Study Group, University Children’s Hospital, Paracelsus Medical University); PubMed 28918066 (cited by PDHA1 Study Group, University Children’s Hospital, Paracelsus Medical University); PubMed 30634555 (cited by PDHA1 Study Group, University Children’s Hospital, Paracelsus Medical University); PubMed 36675121 (cited by PDHA1 Study Group, University Children’s Hospital, Paracelsus Medical University); DOI 10.1093/brain/awaf430 (cited by PDHA1 Study Group, University Children’s Hospital, Paracelsus Medical University); PubMed 3137520 (cited by OMIM).

NM_000284.4(PDHA1):c.787C>G (p.Arg263Gly)

Gene: PDHA1 (pyruvate dehydrogenase E1 subunit alpha 1; plus strand). Cytogenetic location: Xp22.12.
Variant type: single nucleotide variant.
Coding change: c.787C>G on transcript NM_000284.4 (MANE Select); coding-DNA position 787, C replaced by G.
Protein change: p.Arg263Gly; replaces arginine 263 with glycine.
Molecular consequence: missense variant.
Genome position (GRCh38, 1-based): chrX:19,355,713, C>G. VCF-style: chrX-19355713-C-G. GRCh37 (hg19) VCF-style: chrX-19373831-C-G.
Other names: p.R263G:CGA>GGA; c.901C>G, p.Arg301Gly (NM_001173454.2); c.808C>G, p.Arg270Gly (NM_001173455.2); c.694C>G, p.Arg232Gly (NM_001173456.2); short protein forms R263G, R270G, R301G, R232G.
Identifiers: ClinVar variation 10878 (VCV000010878.13), dbSNP rs137853259, ClinGen allele CA121213.
Genomic context (GRCh38, chrX:19,355,713, plus strand): 5'-TTCATGCTTCGCCCCTCCCCTGTTTATTACCAGGTGGATGGAATGGATATCCTGTGCGTC[C>G]GAGAGGCAACAAGGTTTGCTGCTGCCTATTGTAGATCTGGGAAGGTAAGGCTCTAAAGCC-3'
Protein context (NP_000275.1, residues 253-273): RVDGMDILCV[Arg263Gly]EATRFAAAYC